The following is an entry in ClinVar:

ClinVar aggregate classification (germline): Benign. Review status: criteria provided, multiple submitters, no conflicts (2 of 4 stars). 3 submissions from 3 submitters: Benign (3). Last evaluated 2018-06-14.

Conditions:
Maturity-onset diabetes of the young (MODY). Also called: Maturity onset diabetes mellitus in young. Identifiers: Orphanet 552, MedGen C0342276, MONDO:0018911, HP:0004904.

Allele frequency attached by ClinVar (database versions not stated): 1000 Genomes Project 0.14277; 1000 Genomes Project 30x 0.14913; gnomAD 0.19037 and 0.19516; TOPMed 0.19687; ESP Exome Variant Server 0.20056.
gnomAD v4.1: 307,086 of 1,612,852 alleles (19%); highest among the groups gnomAD compares: African/African-American, 21%; 30,948 homozygotes.

Submissions (3):

GeneDx
Classification: Benign. Last evaluated: 2018-06-14. Review status: criteria provided, single submitter. Criteria: GeneDx Variant Classification (06012015). Collection method: clinical testing. Allele origin: germline. Affected: yes.
Comment: This variant is considered likely benign or benign based on one or more of the following criteria: it is a conservative change, it occurs at a poorly conserved position in the protein, it is predicted to be benign by multiple in silico algorithms, and/or has population frequency not consistent with disease.

Breakthrough Genomics
Classification: Benign. Review status: criteria provided, single submitter. Criteria: ACMG Guidelines, 2015. Collection method: not provided. Allele origin: germline. Inheritance: Autosomal dominant inheritance. Affected: yes.

Clinical Genomics, Uppaluri K&H Personalized Medicine Clinic
Classification: Benign for Maturity-onset diabetes of the young. Review status: criteria provided, single submitter. Criteria: K & H Uppaluri Personalized Medicine Clinic Variant Classification & Assertion Criteria_Updated V.1. Collection method: research. Allele origin: unknown. Inheritance: Autosomal dominant inheritance.
Comment: Potent mutations in HNF4A are associated with poor insulin secretion in response to hyperglycemia. Associated with MODY1. Patients initially respond well to sulfonylureas but eventually become insulin dependent. However, more evidence is required to ascertain the role of this particular variant rs3212195 in MODY, yet.

Literature cited by the submitters: PubMed 18268044 (cited by Clinical Genomics, Uppaluri K&H Personalized Medicine Clinic); PubMed 17563455 (cited by Clinical Genomics, Uppaluri K&H Personalized Medicine Clinic); PubMed 32583173 (cited by Clinical Genomics, Uppaluri K&H Personalized Medicine Clinic); PubMed 35052457 (cited by Clinical Genomics, Uppaluri K&H Personalized Medicine Clinic); PubMed 35118593 (cited by Clinical Genomics, Uppaluri K&H Personalized Medicine Clinic); DOI 10.1159/000334532 (cited by Clinical Genomics, Uppaluri K&H Personalized Medicine Clinic).

NM_175914.5(HNF4A):c.427-52G>A

Gene: HNF4A (hepatocyte nuclear factor 4 alpha; plus strand). Cytogenetic location: 20q13.12.
Variant type: single nucleotide variant.
Coding change: c.427-52G>A on transcript NM_175914.5 (MANE Select); 52 bases into the intron before coding-DNA position 427, G replaced by A.
Molecular consequence: intron variant.
Genome position (GRCh38, 1-based): chr20:44,414,455, G>A. VCF-style: chr20-44414455-G-A. GRCh37 (hg19) VCF-style: chr20-43043095-G-A.
Other names: c.418-52G>A (NM_001287182.2, NM_001287183.2, NM_001287184.2); c.427-52G>A (NM_001030003.3, NM_001030004.3); c.472-52G>A (NM_001258355.2); c.493-52G>A (NM_178849.3, NM_000457.6, NM_178850.3).
Identifiers: ClinVar variation 674364 (VCV000674364.3), dbSNP rs3212195, ClinGen allele CA14798802.